The following is an entry in ClinVar:

ClinVar aggregate classification (germline): Uncertain significance. Review status: criteria provided, multiple submitters, no conflicts (2 of 4 stars). 2 submissions from 2 submitters: Uncertain significance (2). Last evaluated 2025-10-10.

Conditions:
PJA1-related disorder. Also called: PJA1-related condition.

gnomAD v4.1: 8 of 1,211,442 alleles (0.00066%); highest among the groups gnomAD compares: Non-Finnish European, 0.00089%; no homozygotes.

Submissions (2):

PreventionGenetics, part of Exact Sciences
Classification: Uncertain significance for PJA1-related condition. Last evaluated: 2025-10-10. Review status: criteria provided, single submitter. Criteria: ACMG Guidelines, 2015. Collection method: clinical testing. Allele origin: germline.
Comment: The PJA1 c.1534A>G variant is predicted to result in the amino acid substitution p.Ser512Gly. To our knowledge, this variant has not been reported in the literature. This variant is reported in 0.0024% of alleles in individuals of European (Non-Finnish) descent in gnomAD. At this time, the clinical significance of this variant is uncertain due to the absence of conclusive functional and genetic evidence.

Ambry Genetics
Classification: Uncertain significance. Last evaluated: 2025-06-17. Review status: criteria provided, single submitter. Criteria: Ambry Variant Classification Scheme 2023. Collection method: clinical testing. Allele origin: germline.

NM_001032396.4(PJA1):c.1369A>G (p.Ser457Gly)

Gene: PJA1 (praja ring finger ubiquitin ligase 1; minus strand). Cytogenetic location: Xq13.1.
Variant type: single nucleotide variant.
Coding change: c.1369A>G on transcript NM_001032396.4 (MANE Select); coding-DNA position 1369, A replaced by G.
Protein change: p.Ser457Gly; replaces serine 457 with glycine.
Molecular consequence: missense variant.
Genome position (GRCh38, 1-based): chrX:69,161,705, T>C on the plus strand (A>G on the coding strand, the complement: PJA1 is on the minus strand). VCF-style: chrX-69161705-T-C. GRCh37 (hg19) VCF-style: chrX-68381548-T-C.
Other names: c.1534A>G, p.Ser512Gly (NM_001382775.1, NM_145119.4); c.1369A>G, p.Ser457Gly (NM_001382776.1); c.970A>G, p.Ser324Gly (NM_022368.5); short protein forms S512G, S324G, S457G.
Identifiers: ClinVar variation 4137380 (VCV004137380.2).